The following is an entry in ClinVar:

ClinVar aggregate classification (germline): Benign (1 of 4 stars; one submission).

Allele frequency attached by ClinVar (database versions not stated): ESP Exome Variant Server 0.00608; gnomAD 0.00618; ExAC 0.00743; 1000 Genomes Project 0.00280; 1000 Genomes Project 30x 0.00297.
gnomAD v4.1: 14,251 of 1,593,822 alleles (0.89%); highest among the groups gnomAD compares: Non-Finnish European, 1.1%; 87 homozygotes.

Submission:

CeGaT Center for Human Genetics Tuebingen
Classification: Benign. Last evaluated: 2026-09-01. Review status: criteria provided, single submitter. Criteria: CeGaT Center For Human Genetics Tuebingen Variant Classification Criteria Version 2. Collection method: clinical testing. Allele origin: germline. Affected: yes. Observed: 4 variant alleles.
Comment: NOS3: BS1, BS2

NM_000603.5(NOS3):c.*6G>A

Genes: ATG9B (autophagy related 9B; minus strand), NOS3 (nitric oxide synthase 3; plus strand). Cytogenetic location: 7q36.1.
Variant type: single nucleotide variant.
Coding change: c.*6G>A on transcript NM_000603.5 (MANE Select); 6 bases downstream of the stop codon, G replaced by A.
Molecular consequence: 3 prime UTR variant. On other transcripts: non-coding transcript variant (2).
Genome position (GRCh38, 1-based): chr7:151,014,175, G>A. VCF-style: chr7-151014175-G-A. GRCh37 (hg19) VCF-style: chr7-150711263-G-A.
Identifiers: ClinVar variation 2658171 (VCV002658171.23), dbSNP rs151197128, ClinGen allele CA4567766.